The following is an entry in ClinVar:

NM_000260.4(MYO7A):c.2309C>T (p.Ala770Val)

Gene: MYO7A (myosin VIIA; plus strand). Cytogenetic location: 11q13.5.
Variant type: single nucleotide variant.
Coding change: c.2309C>T on transcript NM_000260.4 (MANE Select); coding-DNA position 2309, C replaced by T.
Protein change: p.Ala770Val; replaces alanine 770 with valine.
Molecular consequence: missense variant.
Genome position (GRCh38, 1-based): chr11:77,179,071, C>T. VCF-style: chr11-77179071-C-T. GRCh37 (hg19) VCF-style: chr11-76890117-C-T.
Other names: c.2309C>T (NM_000260.3); c.2309C>T, p.Ala770Val (NM_001127180.2); c.2276C>T, p.Ala759Val (NM_001369365.1); short protein forms A770V, A759V.
Identifiers: ClinVar variation 1377801 (VCV001377801.6), dbSNP rs2135464599, ClinGen allele CA381940879.

ClinVar aggregate classification (germline): Uncertain significance. Review status: criteria provided, multiple submitters, no conflicts (2 of 4 stars). 2 submissions from 2 submitters: Uncertain significance (2). Last evaluated 2024-02-24.

Conditions:
Inborn genetic diseases. Identifiers: MedGen C0950123, MeSH D030342.

Allele frequency attached by ClinVar (database versions not stated): gnomAD exomes below 0.00001.
gnomAD v4.1: 1 of 1,609,058 alleles (0.000062%); highest among the groups gnomAD compares: Admixed American, 0.0017%; no homozygotes.

Submissions (2):

Labcorp Genetics (formerly Invitae), Labcorp
Classification: Uncertain significance. Last evaluated: 2024-02-24. Review status: criteria provided, single submitter. Criteria: Invitae Variant Classification Sherloc (09022015). Collection method: clinical testing. Allele origin: germline.
Comment: This sequence change replaces alanine, which is neutral and non-polar, with valine, which is neutral and non-polar, at codon 770 of the MYO7A protein (p.Ala770Val). This variant is not present in population databases (gnomAD no frequency). This variant has not been reported in the literature in individuals affected with MYO7A-related conditions. ClinVar contains an entry for this variant (Variation ID: 1377801). Advanced modeling of protein sequence and biophysical properties (such as structural, functional, and spatial information, amino acid conservation, physicochemical variation, residue mobility, and thermodynamic stability) performed at Invitae indicates that this missense variant is not expected to disrupt MYO7A protein function with a negative predictive value of 95%. In summary, the available evidence is currently insufficient to determine the role of this variant in disease. Therefore, it has been classified as a Variant of Uncertain Significance.

Ambry Genetics
Classification: Uncertain significance for Inborn genetic diseases. Last evaluated: 2024-02-06. Review status: criteria provided, single submitter. Criteria: Ambry Variant Classification Scheme 2023. Collection method: clinical testing. Allele origin: germline.